The following is an entry in ClinVar:

NM_000256.3(MYBPC3):c.3328del (p.Met1110fs)

Gene: MYBPC3 (myosin binding protein C3; minus strand). Cytogenetic location: 11p11.2.
Variant type: Deletion.
Coding change: c.3328del on transcript NM_000256.3 (MANE Select); coding-DNA position 3328, one base deleted (A; older notation c.3328delA).
Protein change: p.Met1110fs; shifts the reading frame from methionine 1110.
Molecular consequence: frameshift variant.
Genome position (GRCh38, 1-based): chr11:47,333,196, T deleted on the plus strand (A on the coding strand, the reverse complement: MYBPC3 is on the minus strand). VCF-style (leftmost placement, unchanged base first): chr11-47333195-AT-A. GRCh37 (hg19) VCF-style: chr11-47354746-AT-A.
Other names: c.3328delA (NM_000256.3); short protein forms M1110fs.
Identifiers: ClinVar variation 1457802 (VCV001457802.8), dbSNP rs2142850736, ClinGen allele CA2573051238.

ClinVar aggregate classification (germline): Pathogenic. Review status: criteria provided, multiple submitters, no conflicts (2 of 4 stars). 3 submissions from 3 submitters: Pathogenic (3). Last evaluated 2023-09-14.

Conditions:
Hypertrophic cardiomyopathy. Also called: HYPERTROPHIC MYOCARDIOPATHY. Identifiers: Orphanet 217569, MedGen C0007194, MeSH D002312, MONDO:0005045, HP:0001639.
Cardiovascular phenotype. Identifiers: MedGen CN230736.
Hypertrophic cardiomyopathy 4. Also called: Familial hypertrophic cardiomyopathy 4. Identifiers: MedGen C1861862, MONDO:0007268, OMIM 115197.

Submissions (3):

Ambry Genetics
Classification: Pathogenic for Cardiovascular phenotype. Last evaluated: 2023-09-14. Review status: criteria provided, single submitter. Criteria: Ambry Variant Classification Scheme 2023. Collection method: clinical testing. Allele origin: germline.
Comment: The c.3328delA pathogenic mutation, located in coding exon 30 of the MYBPC3 gene, results from a deletion of one nucleotide at nucleotide position 3328, causing a translational frameshift with a predicted alternate stop codon (p.M1110Wfs*79). This variant has been detected in individuals from a hypertrophic cardiomyopathy cohort (Mademont-Soler I et al. PLoS One, 2017 Aug;12:e0181465). This variant is considered to be rare based on population cohorts in the Genome Aggregation Database (gnomAD). In addition to the clinical data presented in the literature, this alteration is expected to result in loss of function by premature protein truncation or nonsense-mediated mRNA decay. As such, this alteration is interpreted as a disease-causing mutation.

Labcorp Genetics (formerly Invitae), Labcorp
Classification: Pathogenic for Hypertrophic cardiomyopathy. Last evaluated: 2022-10-21. Review status: criteria provided, single submitter. Criteria: Invitae Variant Classification Sherloc (09022015). Collection method: clinical testing. Allele origin: germline.
Comment: For these reasons, this variant has been classified as Pathogenic. ClinVar contains an entry for this variant (Variation ID: 1457802). This premature translational stop signal has been observed in individual(s) with hypertrophic cardiomyopathy (PMID: 28771489). This variant is not present in population databases (gnomAD no frequency). This sequence change creates a premature translational stop signal (p.Met1110Trpfs*79) in the MYBPC3 gene. It is expected to result in an absent or disrupted protein product. Loss-of-function variants in MYBPC3 are known to be pathogenic (PMID: 19574547).

Clinical Genetics Service, Universitary Hospital 12 de Octubre
Classification: Pathogenic for Hypertrophic cardiomyopathy 4. Review status: criteria provided, single submitter. Criteria: ACMG Guidelines, 2015. Collection method: clinical testing. Allele origin: germline. Affected: yes.

Literature cited by the submitters: PubMed 28771489 (cited by Ambry Genetics and Labcorp Genetics (formerly Invitae), Labcorp); PubMed 19574547 (cited by Labcorp Genetics (formerly Invitae), Labcorp).